The following is an entry in ClinVar:

NM_001165963.4(SCN1A):c.4581+124C>G

Genes: SCN1A (sodium voltage-gated channel alpha subunit 1; minus strand), LOC102724058 (uncharacterized LOC102724058; plus strand). Cytogenetic location: 2q24.3.
Variant type: single nucleotide variant.
Coding change: c.4581+124C>G on transcript NM_001165963.4 (MANE Select); 124 bases into the intron after coding-DNA position 4581, C replaced by G.
Molecular consequence: intron variant.
Genome position (GRCh38, 1-based): chr2:165,995,889, G>C on the plus strand (C>G on the coding strand, the complement: SCN1A is on the minus strand). VCF-style: chr2-165995889-G-C. GRCh37 (hg19) VCF-style: chr2-166852399-G-C.
Other names: NC_000002.11:g.166852399G>C; c.4548+124C>G (NM_001353949.2, NM_001353950.2, NM_001353951.2 and 2 more transcripts); c.4497+124C>G (NM_001353958.2, NM_001353957.2, NM_001165964.3); c.4581+124C>G (NM_001202435.3, NM_001353948.2); c.4545+124C>G (NM_001353955.2, NM_001353954.2); c.4494+124C>G (NM_001353960.2); c.2139+124C>G (NM_001353961.2).
Identifiers: ClinVar variation 677475 (VCV000677475.2), dbSNP rs13398882, ClinGen allele CA59801636.

ClinVar aggregate classification (germline): Likely benign (1 of 4 stars; one submission).

Allele frequency attached by ClinVar (database versions not stated): gnomAD 0.00690; 1000 Genomes Project 30x 0.01046; TOPMed 0.00842; 1000 Genomes Project 0.01018.
gnomAD v4.1: 1,551 of 687,644 alleles (0.23%); highest among the groups gnomAD compares: African/African-American, 2.5%; 14 homozygotes.

Submissions (2):

GeneDx
Classification: Likely benign. Last evaluated: 2018-06-19. Review status: criteria provided, single submitter. Criteria: GeneDx Variant Classification (06012015). Collection method: clinical testing. Allele origin: germline. Affected: yes.
Comment: This variant is considered likely benign or benign based on one or more of the following criteria: it is a conservative change, it occurs at a poorly conserved position in the protein, it is predicted to be benign by multiple in silico algorithms, and/or has population frequency not consistent with disease.

Dr. Peter K. Rogan Lab, Western University
No classification provided (evidence only). Condition: Sarcoma. Review status: no classification provided. Collection method: in vitro. Allele origin: not applicable. Functional consequence: retained intron. Not counted in ClinVar's aggregate classification.